The following is an entry in ClinVar:

ClinVar aggregate classification (germline): Uncertain significance. Review status: criteria provided, multiple submitters, no conflicts (2 of 4 stars). 2 submissions from 2 submitters: Uncertain significance (2). Last evaluated 2024-03-12.

Conditions:
Inborn genetic diseases. Identifiers: MedGen C0950123, MeSH D030342.
Mosaic variegated aneuploidy syndrome 1 (MVA1). Also called: Warburton-Anyane-Yeboa syndrome. Identifiers: Orphanet 1052, MedGen C1850343, MONDO:0009759, OMIM 257300.

Allele frequency attached by ClinVar (database versions not stated): gnomAD exomes below 0.00001.
gnomAD v4.1: 1 of 1,614,044 alleles (0.000062%); highest among the groups gnomAD compares: East Asian, 0.0022%; no homozygotes.

Submissions (2):

Ambry Genetics
Classification: Uncertain significance for Inborn genetic diseases. Last evaluated: 2024-03-12. Review status: criteria provided, single submitter. Criteria: Ambry Variant Classification Scheme 2023. Collection method: clinical testing. Allele origin: germline.
Comment: The p.E871V variant (also known as c.2612A>T), located in coding exon 20 of the BUB1B gene, results from an A to T substitution at nucleotide position 2612. The glutamic acid at codon 871 is replaced by valine, an amino acid with dissimilar properties. This amino acid position is conserved. In addition, the in silico prediction for this alteration is inconclusive. Based on the available evidence, the clinical significance of this alteration remains unclear.

Labcorp Genetics (formerly Invitae), Labcorp
Classification: Uncertain significance for Mosaic variegated aneuploidy syndrome 1. Last evaluated: 2023-03-02. Review status: criteria provided, single submitter. Criteria: Invitae Variant Classification Sherloc (09022015). Collection method: clinical testing. Allele origin: germline.
Comment: In summary, the available evidence is currently insufficient to determine the role of this variant in disease. Therefore, it has been classified as a Variant of Uncertain Significance. An algorithm developed to predict the effect of missense changes on protein structure and function (PolyPhen-2) suggests that this variant is likely to be disruptive. This variant has not been reported in the literature in individuals affected with BUB1B-related conditions. This variant is present in population databases (no rsID available, gnomAD 0.006%). This sequence change replaces glutamic acid, which is acidic and polar, with valine, which is neutral and non-polar, at codon 871 of the BUB1B protein (p.Glu871Val).

NM_001211.6(BUB1B):c.2612A>T (p.Glu871Val)

Gene: BUB1B (BUB1 mitotic checkpoint serine/threonine kinase B; plus strand). Cytogenetic location: 15q15.1.
Variant type: single nucleotide variant.
Coding change: c.2612A>T on transcript NM_001211.6 (MANE Select); coding-DNA position 2612, A replaced by T.
Protein change: p.Glu871Val; replaces glutamic acid 871 with valine.
Molecular consequence: missense variant.
Genome position (GRCh38, 1-based): chr15:40,213,408, A>T. VCF-style: chr15-40213408-A-T. GRCh37 (hg19) VCF-style: chr15-40505609-A-T.
Other names: short protein forms E871V.
Identifiers: ClinVar variation 2842041 (VCV002842041.4), dbSNP rs1399035318, ClinGen allele CA391686287.